The following is an entry in ClinVar:

NM_005428.4(VAV1):c.26A>G (p.His9Arg)

Gene: VAV1 (vav guanine nucleotide exchange factor 1; plus strand). Cytogenetic location: 19p13.3.
Variant type: single nucleotide variant.
Coding change: c.26A>G on transcript NM_005428.4 (MANE Select); coding-DNA position 26, A replaced by G.
Protein change: p.His9Arg; replaces histidine 9 with arginine.
Molecular consequence: missense variant.
Genome position (GRCh38, 1-based): chr19:6,772,833, A>G. VCF-style: chr19-6772833-A-G. GRCh37 (hg19) VCF-style: chr19-6772844-A-G.
Other names: c.26A>G, p.His9Arg (NM_001258206.2, NM_001258207.2); short protein forms H9R.
Identifiers: ClinVar variation 2133830 (VCV002133830.4), dbSNP rs1599606651, ClinGen allele CA403647643.
Genomic context (GRCh38, chr19:6,772,833, plus strand): 5'-GAGGGTGCACGGCCGGCCCTGGGCAGGCGGTAGCCATGGAGCTGTGGCGCCAATGCACCC[A>G]CTGGCTCATCCAGTGCCGGGTGCTGCCGCCCAGCCACCGCGTGACCTGGGATGGGGCTCA-3'
Protein context (NP_005419.2, residues 1-19): MELWRQCT[His9Arg]WLIQCRVLPP

ClinVar aggregate classification (germline): Uncertain significance (1 of 4 stars; one submission).

Submission:

Labcorp Genetics (formerly Invitae), Labcorp
Classification: Uncertain significance. Last evaluated: 2022-05-04. Review status: criteria provided, single submitter. Criteria: Invitae Variant Classification Sherloc (09022015). Collection method: clinical testing. Allele origin: germline.
Comment: This sequence change replaces histidine, which is basic and polar, with arginine, which is basic and polar, at codon 9 of the VAV1 protein (p.His9Arg). This variant is not present in population databases (gnomAD no frequency). This variant has not been reported in the literature in individuals affected with VAV1-related conditions. Algorithms developed to predict the effect of missense changes on protein structure and function output the following: SIFT: "Tolerated"; PolyPhen-2: "Benign"; Align-GVGD: "Class C0". The arginine amino acid residue is found in multiple mammalian species, which suggests that this missense change does not adversely affect protein function. In summary, the available evidence is currently insufficient to determine the role of this variant in disease. Therefore, it has been classified as a Variant of Uncertain Significance.